The following is an entry in ClinVar:

ClinVar aggregate classification (germline): Uncertain significance (1 of 4 stars; one submission).

Conditions:
Brugada syndrome 5 (BRGDA5). Identifiers: Orphanet 130, Orphanet 871, MedGen C2748541, MONDO:0013015, OMIM 612838.

Allele frequency attached by ClinVar (database versions not stated): gnomAD 0.00001.
gnomAD v4.1: 2 of 1,603,994 alleles (0.00012%); highest among the groups gnomAD compares: African/African-American, 0.0027%; no homozygotes.

Submission:

Labcorp Genetics (formerly Invitae), Labcorp
Classification: Uncertain significance for Brugada syndrome 5. Last evaluated: 2024-08-29. Review status: criteria provided, single submitter. Criteria: Invitae Variant Classification Sherloc (09022015). Collection method: clinical testing. Allele origin: germline.
Comment: This sequence change replaces glutamic acid, which is acidic and polar, with alanine, which is neutral and non-polar, at codon 195 of the SCN1B protein (p.Glu195Ala). This variant is not present in population databases (gnomAD no frequency). This variant has not been reported in the literature in individuals affected with SCN1B-related conditions. ClinVar contains an entry for this variant (Variation ID: 1721096). An algorithm developed to predict the effect of missense changes on protein structure and function (PolyPhen-2) suggests that this variant is likely to be tolerated. In summary, the available evidence is currently insufficient to determine the role of this variant in disease. Therefore, it has been classified as a Variant of Uncertain Significance.

NM_001037.5(SCN1B):c.448+136A>C

Gene: SCN1B (sodium voltage-gated channel beta subunit 1; plus strand). Cytogenetic location: 19q13.11.
Variant type: single nucleotide variant.
Coding change: c.448+136A>C on transcript NM_001037.5 (MANE Select); 136 bases into the intron after coding-DNA position 448, A replaced by C.
Molecular consequence: intron variant. On other transcripts: missense variant (1).
Genome position (GRCh38, 1-based): chr19:35,033,875, A>C. VCF-style: chr19-35033875-A-C. GRCh37 (hg19) VCF-style: chr19-35524779-A-C.
Other names: c.584A>C, p.Glu195Ala (NM_199037.5); c.349+136A>C (NM_001321605.2); short protein forms E195A.
Identifiers: ClinVar variation 1721096 (VCV001721096.5), dbSNP rs1342414739, ClinGen allele CA405329384.